The following is an entry in ClinVar:

NM_015046.7(SETX):c.3115A>G (p.Ile1039Val)

Gene: SETX (senataxin; minus strand). Cytogenetic location: 9q34.13.
Variant type: single nucleotide variant.
Coding change: c.3115A>G on transcript NM_015046.7 (MANE Select); coding-DNA position 3115, A replaced by G.
Protein change: p.Ile1039Val; replaces isoleucine 1039 with valine.
Molecular consequence: missense variant.
Genome position (GRCh38, 1-based): chr9:132,328,483, T>C on the plus strand (A>G on the coding strand, the complement: SETX is on the minus strand). VCF-style: chr9-132328483-T-C. GRCh37 (hg19) VCF-style: chr9-135203870-T-C.
Other names: c.3115A>G, p.Ile1039Val (NM_001351527.2, NM_001351528.2); short protein forms I1039V.
Identifiers: ClinVar variation 1302483 (VCV001302483.8), dbSNP rs372529790, ClinGen allele CA200811699.

ClinVar aggregate classification (germline): Conflicting classifications of pathogenicity. Review status: criteria provided, conflicting classifications (1 of 4 stars). 5 submissions from 4 submitters: Uncertain significance (4); Benign (1). Last evaluated 2023-06-24.

Conditions:
Amyotrophic lateral sclerosis type 4 (ALS4). Also called: AMYOTROPHIC LATERAL SCLEROSIS 4, JUVENILE; NEURONOPATHY, DISTAL HEREDITARY MOTOR, WITH PYRAMIDAL FEATURES. Identifiers: Orphanet 357043, MedGen C1865409, MONDO:0011223, OMIM 602433.
Spinocerebellar ataxia, autosomal recessive, with axonal neuropathy 2 (SCAN2). Also called: ATAXIA-OCULOMOTOR APRAXIA 2; Ataxia-ocular apraxia-2; Ataxia with Oculomotor Apraxia; Ataxia with Oculomotor Apraxia Type 2. Identifiers: Orphanet 64753, MedGen C1853761, MONDO:0018996, OMIM 606002.
Inborn genetic diseases. Identifiers: MedGen C0950123, MeSH D030342.

Allele frequency attached by ClinVar (database versions not stated): gnomAD exomes below 0.00001 and 0.00001; TOPMed 0.00003; gnomAD 0.00004 and 0.00006; ESP Exome Variant Server 0.00008.
gnomAD v4.1: 28 of 1,613,854 alleles (0.0017%); highest among the groups gnomAD compares: Middle Eastern, 0.033%; 1 homozygote.

Submissions (5):

Labcorp Genetics (formerly Invitae), Labcorp
Classification: Benign for Amyotrophic lateral sclerosis type 4; Spinocerebellar ataxia, autosomal recessive, with axonal neuropathy 2. Last evaluated: 2023-06-24. Review status: criteria provided, single submitter. Criteria: Invitae Variant Classification Sherloc (09022015). Collection method: clinical testing. Allele origin: germline.

Genome-Nilou Lab
Classification: Uncertain significance for Spinocerebellar ataxia, autosomal recessive, with axonal neuropathy 2. Last evaluated: 2023-02-08. Review status: criteria provided, single submitter. Criteria: ACMG Guidelines, 2015. Collection method: clinical testing. Allele origin: germline.

Genome-Nilou Lab
Classification: Uncertain significance for Amyotrophic lateral sclerosis type 4. Last evaluated: 2023-02-08. Review status: criteria provided, single submitter. Criteria: ACMG Guidelines, 2015. Collection method: clinical testing. Allele origin: germline.

Ambry Genetics
Classification: Uncertain significance for Inborn genetic diseases. Last evaluated: 2022-03-21. Review status: criteria provided, single submitter. Criteria: Ambry Variant Classification Scheme 2023. Collection method: clinical testing. Allele origin: germline.

GeneDx
Classification: Uncertain significance. Last evaluated: 2019-07-11. Review status: criteria provided, single submitter. Criteria: GeneDx Variant Classification Process June 2021. Collection method: clinical testing. Allele origin: germline. Affected: yes.
Comment: Not observed at a significant frequency in large population cohorts (Lek et al., 2016); In silico analysis, which includes protein predictors and evolutionary conservation, supports that this variant does not alter protein structure/function; Has not been previously published as pathogenic or benign to our knowledge